The following is an entry in ClinVar:

NM_021098.3(CACNA1H):c.7025C>T (p.Thr2342Ile)

Gene: CACNA1H (calcium voltage-gated channel subunit alpha1 H; plus strand). Cytogenetic location: 16p13.3.
Variant type: single nucleotide variant.
Coding change: c.7025C>T on transcript NM_021098.3 (MANE Select); coding-DNA position 7025, C replaced by T.
Protein change: p.Thr2342Ile; replaces threonine 2342 with isoleucine.
Molecular consequence: missense variant.
Genome position (GRCh38, 1-based): chr16:1,220,957, C>T. VCF-style: chr16-1220957-C-T. GRCh37 (hg19) VCF-style: chr16-1270957-C-T.
Other names: c.7007C>T, p.Thr2336Ile (NM_001005407.2); short protein forms T2336I, T2342I.
Identifiers: ClinVar variation 936734 (VCV000936734.10), dbSNP rs1970440739, ClinGen allele CA394151601.
Genomic context (GRCh38, chr16:1,220,957, plus strand): 5'-GGGGGCTGTACCTCACAGTCCCCCAGTGTCCTCTGGAGAAACCAGGGTCCCCCTCAGCCA[C>T]CCCTGCCCCAGGGGGTGGTGCAGATGACCCCGTGTAGCTCGGGGCTTGGTGCCGCCCACG-3'
Protein context (NP_066921.2, residues 2332-2352): PLEKPGSPSA[Thr2342Ile]PAPGGGADDP

ClinVar aggregate classification (germline): Uncertain significance. Review status: criteria provided, multiple submitters, no conflicts (2 of 4 stars). 2 submissions from 2 submitters: Uncertain significance (2). Last evaluated 2023-08-15.

Conditions:
Idiopathic generalized epilepsy. Also called: Generalised epilepsy; EIG. Identifiers: MedGen C0270850, MONDO:0005579, OMIM 600669.
Hyperaldosteronism, familial, type IV (HALD4). Also called: FH IV; ALDOSTERONISM, PRIMARY, AND HYPERTENSION. Identifiers: Orphanet 642671, MedGen C4310756, MONDO:0014875, OMIM 617027.

Submissions (2):

GeneDx
Classification: Uncertain significance. Last evaluated: 2023-08-15. Review status: criteria provided, single submitter. Criteria: GeneDx Variant Classification Process June 2021. Collection method: clinical testing. Allele origin: germline. Affected: yes.
Comment: Not observed at significant frequency in large population cohorts (gnomAD); In silico analysis supports that this missense variant does not alter protein structure/function; Has not been previously published as pathogenic or benign to our knowledge

Labcorp Genetics (formerly Invitae), Labcorp
Classification: Uncertain significance for Idiopathic generalized epilepsy; Hyperaldosteronism, familial, type IV. Last evaluated: 2019-10-09. Review status: criteria provided, single submitter. Criteria: Invitae Variant Classification Sherloc (09022015). Collection method: clinical testing. Allele origin: germline.
Comment: In summary, the available evidence is currently insufficient to determine the role of this variant in disease. Therefore, it has been classified as a Variant of Uncertain Significance. Algorithms developed to predict the effect of missense changes on protein structure and function are either unavailable or do not agree on the potential impact of this missense change (SIFT: "Deleterious"; PolyPhen-2: "Not Available"; Align-GVGD: "Class C0"). This variant has not been reported in the literature in individuals with CACNA1H-related conditions. This variant is not present in population databases (ExAC no frequency). This sequence change replaces threonine with isoleucine at codon 2342 of the CACNA1H protein (p.Thr2342Ile). The threonine residue is weakly conserved and there is a moderate physicochemical difference between threonine and isoleucine.